The following is an entry in ClinVar:

NM_001282933.2(ZNF341):c.1929C>T (p.Ile643=)

Genes: ZNF341 (zinc finger protein 341; plus strand), ZNF341-AS1 (ZNF341 antisense RNA 1; minus strand). Cytogenetic location: 20q11.22.
Variant type: single nucleotide variant.
Coding change: c.1929C>T on transcript NM_001282933.2 (MANE Select); coding-DNA position 1929, C replaced by T.
Protein change: p.Ile643=; no amino-acid change (isoleucine 643 retained).
Molecular consequence: synonymous variant. On other transcripts: non-coding transcript variant (1).
Genome position (GRCh38, 1-based): chr20:33,788,939, C>T. VCF-style: chr20-33788939-C-T. GRCh37 (hg19) VCF-style: chr20-32376745-C-T.
Other names: p.Ile636=; c.1659C>T, p.Ile553= (NM_001282935.2); c.1908C>T, p.Ile636= (NM_032819.5); c.1929C>T (NM_001282933.1); c.1908C>T (NM_032819.4).
Identifiers: ClinVar variation 1170037 (VCV001170037.14), dbSNP rs140105337, ClinGen allele CA9819619.

ClinVar aggregate classification (germline): Benign. Review status: criteria provided, multiple submitters, no conflicts (2 of 4 stars). 5 submissions from 5 submitters: Benign (4). 1 of the submissions does not count toward it. Last evaluated 2026-02-03.

Conditions:
ZNF341-related disorder. Also called: ZNF341-related condition.

Allele frequency attached by ClinVar (database versions not stated): 1000 Genomes Project 30x 0.00937; 1000 Genomes Project 0.00938; gnomAD 0.01572 and 0.01671; TOPMed 0.01627; gnomAD exomes 0.01823; ESP Exome Variant Server 0.01868; ExAC 0.01943.
gnomAD v4.1: 37,331 of 1,614,028 alleles (2.3%); highest among the groups gnomAD compares: Non-Finnish European, 2.8%; 475 homozygotes.

Submissions (5):

Labcorp Genetics (formerly Invitae), Labcorp
Classification: Benign. Last evaluated: 2026-02-03. Review status: criteria provided, single submitter. Criteria: Invitae Variant Classification Sherloc (09022015). Collection method: clinical testing. Allele origin: germline.

Women's Health and Genetics/Laboratory Corporation of America, LabCorp
Classification: Benign. Last evaluated: 2026-01-22. Review status: criteria provided, single submitter. Criteria: LabCorp Variant Classification Summary - May 2015. Collection method: clinical testing. Allele origin: germline.

Mayo Clinic Laboratories, Mayo Clinic
Classification: Benign. Last evaluated: 2024-04-10. Review status: criteria provided, single submitter. Criteria: ACMG Guidelines, 2015. Collection method: clinical testing. Allele origin: germline. Observed: 7 variant alleles.
Comment: BS1, BS2, BP4, BP7

Breakthrough Genomics
Classification: Benign. Review status: criteria provided, single submitter. Criteria: ACMG Guidelines, 2015. Collection method: not provided. Allele origin: germline. Inheritance: Autosomal recessive inheritance. Affected: yes.

PreventionGenetics, part of Exact Sciences
Classification: Benign for ZNF341-related condition. Last evaluated: 2019-03-22. Review status: no assertion criteria provided. Collection method: clinical testing. Allele origin: germline. Not counted in ClinVar's aggregate classification.
Comment: This variant is classified as benign based on ACMG/AMP sequence variant interpretation guidelines (Richards et al. 2015 PMID: 25741868, with internal and published modifications).